The following is an entry in ClinVar:

NM_005186.4(CAPN1):c.1474G>A (p.Gly492Arg)

Gene: CAPN1 (calpain 1; plus strand). Cytogenetic location: 11q13.1.
Variant type: single nucleotide variant.
Coding change: c.1474G>A on transcript NM_005186.4 (MANE Select); coding-DNA position 1474, G replaced by A.
Protein change: p.Gly492Arg; replaces glycine 492 with arginine.
Molecular consequence: missense variant. On other transcripts: non-coding transcript variant (1).
Genome position (GRCh38, 1-based): chr11:65,206,583, G>A. VCF-style: chr11-65206583-G-A. GRCh37 (hg19) VCF-style: chr11-64974054-G-A.
Other names: c.1474G>A (NM_005186.3); c.1474G>A, p.Gly492Arg (NM_001198868.2, NM_001198869.2); short protein forms G492R.
Identifiers: ClinVar variation 1175024 (VCV001175024.48), dbSNP rs17883283, ClinGen allele CA6093445.
Genomic context (GRCh38, chr11:65,206,583, plus strand): 5'-GCGCGCTCAGAGCAGTTCATCAACCTGCGAGAGGTCAGCACCCGCTTCCGCCTGCCACCC[G>A]GGGAGTATGTGGTGGTGCCCTCCACCTTCGAGCCCAACAAGGAGGGCGACTTCGTGCTGC-3'
Protein context (NP_005177.2, residues 482-502): EVSTRFRLPP[Gly492Arg]EYVVVPSTFE

ClinVar aggregate classification (germline): Conflicting classifications of pathogenicity. Review status: criteria provided, conflicting classifications (1 of 4 stars). 6 submissions from 6 submitters: Uncertain significance (2); Likely benign (2). 2 of the submissions do not count toward it. Last evaluated 2026-07-01.

Allele frequency attached by ClinVar (database versions not stated): 1000 Genomes Project 0.00060; 1000 Genomes Project 30x 0.00062; gnomAD exomes 0.00099 and 0.00167; ExAC 0.00108; TOPMed 0.00110; gnomAD 0.00129 and 0.00140; ESP Exome Variant Server 0.00166.
gnomAD v4.1: 2,601 of 1,613,394 alleles (0.16%); highest among the groups gnomAD compares: Non-Finnish European, 0.2%; 3 homozygotes.

Submissions (7):

CeGaT Center for Human Genetics Tuebingen
Classification: Likely benign. Last evaluated: 2026-07-01. Review status: criteria provided, single submitter. Criteria: CeGaT Center For Human Genetics Tuebingen Variant Classification Criteria Version 2. Collection method: clinical testing. Allele origin: germline. Affected: yes. Observed: 2 variant alleles.
Comment: CAPN1: PP3, BS1

Labcorp Genetics (formerly Invitae), Labcorp
Classification: Likely benign. Last evaluated: 2026-01-15. Review status: criteria provided, single submitter. Criteria: Invitae Variant Classification Sherloc (09022015). Collection method: clinical testing. Allele origin: germline.

Blueprint Genetics
Classification: Uncertain significance. Last evaluated: 2024-11-27. Review status: criteria provided, single submitter. Criteria: ACMG Guidelines, 2015. Collection method: clinical testing. Allele origin: germline.

Women's Health and Genetics/Laboratory Corporation of America, LabCorp
Classification: Uncertain significance. Last evaluated: 2023-04-19. Review status: criteria provided, single submitter. Criteria: LabCorp Variant Classification Summary - May 2015. Collection method: clinical testing. Allele origin: germline.
Comment: Variant summary: CAPN1 c.1474G>A (p.Gly492Arg) results in a non-conservative amino acid change located in the Peptidase C2, calpain, large subunit, domain III (IPR022682) of the encoded protein sequence. Five of five in-silico tools predict a damaging effect of the variant on protein function. The variant allele was found at a frequency of 0.00099 in 248888 control chromosomes (gnomAD). c.1474G>A has been reported in the literature segregating with disease in one family, in two compound heterozygous siblings affected with Spinal Muscular Atrophy, type 4 (Perez-Siles_2022). These data indicate that the variant may be associated with disease. Perez-Siles_2022 also evaluated primary fibroblasts from the compound heterozygous proband, and revealed that there was no discernable impact from the variant on protein levels, localization or function. Two ClinVar submitters have assessed the variant since 2014: one classified the variant as likely benign and one as uncertain significance. Based on the evidence outlined above, the variant was classified as VUS-possibly pathogenic.

Clinical Genetics DNA and cytogenetics Diagnostics Lab, Erasmus MC, Erasmus Medical Center
Classification: Uncertain significance. Review status: no assertion criteria provided. Collection method: clinical testing. Allele origin: germline. Affected: yes. Study: VKGL Data-share Consensus. Not counted in ClinVar's aggregate classification.

Diagnostic Laboratory, Department of Genetics, University Medical Center Groningen
Classification: Uncertain significance. Review status: no assertion criteria provided. Collection method: clinical testing. Allele origin: germline. Affected: yes. Study: VKGL Data-share Consensus. Not counted in ClinVar's aggregate classification.

Dr. Peter K. Rogan Lab, Western University
No classification provided (evidence only). Condition: Uveal melanoma. Review status: no classification provided. Collection method: in vitro. Allele origin: not applicable. Functional consequence: retained intron. Not counted in ClinVar's aggregate classification.

Literature cited by the submitters: PubMed 35126465 (cited by Women's Health and Genetics/Laboratory Corporation of America, LabCorp); PubMed 35588347 (cited by Women's Health and Genetics/Laboratory Corporation of America, LabCorp).